The following is an entry in ClinVar:

ClinVar aggregate classification (germline): Uncertain significance. Review status: criteria provided, multiple submitters, no conflicts (2 of 4 stars). 2 submissions from 2 submitters: Uncertain significance (2). Last evaluated 2026-06-10.

Conditions:
Inborn genetic diseases. Identifiers: MedGen C0950123, MeSH D030342.
Immunodeficiency 104. Also called: Severe combined immunodeficiency, autosomal recessive, T cell-negative, B cell-positive, NK cell-positive; IMMUNODEFICIENCY 104, SEVERE COMBINED; SCID, AUTOSOMAL RECESSIVE, T CELL-NEGATIVE, B CELL-POSITIVE, NK CELL-POSITIVE; Severe Combined Immune Deficiency, Autosomal Recessive, TCell -Negative, B Cell-Positive, NK Cell-Positive, IL7R-Related. Identifiers: MedGen C5676890, MONDO:0012163, OMIM 608971.

gnomAD v4.1: 5 of 1,611,412 alleles (0.00031%); highest among the groups gnomAD compares: Middle Eastern, 0.017%; no homozygotes.

Submissions (2):

Ambry Genetics
Classification: Uncertain significance for Inborn genetic diseases. Last evaluated: 2026-06-10. Review status: criteria provided, single submitter. Criteria: Ambry Variant Classification Scheme 2023. Collection method: clinical testing. Allele origin: germline.

Labcorp Genetics (formerly Invitae), Labcorp
Classification: Uncertain significance for Immunodeficiency 104. Last evaluated: 2022-01-21. Review status: criteria provided, single submitter. Criteria: Invitae Variant Classification Sherloc (09022015). Collection method: clinical testing. Allele origin: germline.
Comment: This sequence change replaces aspartic acid, which is acidic and polar, with asparagine, which is neutral and polar, at codon 1223 of the PTPRC protein (p.Asp1223Asn). This variant is present in population databases (no rsID available, gnomAD 0.002%). This variant has not been reported in the literature in individuals affected with PTPRC-related conditions. Algorithms developed to predict the effect of missense changes on protein structure and function are either unavailable or do not agree on the potential impact of this missense change (SIFT: "Deleterious"; PolyPhen-2: "Probably Damaging"; Align-GVGD: "Class C0"). In summary, the available evidence is currently insufficient to determine the role of this variant in disease. Therefore, it has been classified as a Variant of Uncertain Significance.

NM_002838.5(PTPRC):c.3667G>A (p.Asp1223Asn)

Gene: PTPRC (protein tyrosine phosphatase receptor type C; plus strand). Cytogenetic location: 1q32.1.
Variant type: single nucleotide variant.
Coding change: c.3667G>A on transcript NM_002838.5 (MANE Select); coding-DNA position 3667, G replaced by A.
Protein change: p.Asp1223Asn; replaces aspartic acid 1223 with asparagine.
Molecular consequence: missense variant.
Genome position (GRCh38, 1-based): chr1:198,755,927, G>A. VCF-style: chr1-198755927-G-A. GRCh37 (hg19) VCF-style: chr1-198725056-G-A.
Other names: c.3661G>A (NM_002838.3); c.3184G>A, p.Asp1062Asn (NM_080921.4); short protein forms D1223N, D1062N.
Identifiers: ClinVar variation 1913752 (VCV001913752.3), dbSNP rs1445993458, ClinGen allele CA344055891.